The following is an entry in ClinVar:

ClinVar aggregate classification (germline): Uncertain significance (1 of 4 stars; one submission).

Conditions:
Agammaglobulinemia 2, autosomal recessive (AGM2). Also called: AGAMMAGLOBULINEMIA, AUTOSOMAL RECESSIVE, DUE TO IGLL1 DEFECT. Identifiers: MedGen C3150750, MONDO:0013287, OMIM 613500.

Submission:

Labcorp Genetics (formerly Invitae), Labcorp
Classification: Uncertain significance for Agammaglobulinemia 2, autosomal recessive. Last evaluated: 2025-09-16. Review status: criteria provided, single submitter. Criteria: Invitae Variant Classification Sherloc (09022015). Collection method: clinical testing. Allele origin: germline.
Comment: This sequence change replaces histidine, which is basic and polar, with leucine, which is neutral and non-polar, at codon 198 of the IGLL1 protein (p.His198Leu). This variant is not present in population databases (gnomAD no frequency). This variant has not been reported in the literature in individuals affected with IGLL1-related conditions. An algorithm developed to predict the effect of missense changes on protein structure and function (PolyPhen-2) suggests that this variant is likely to be disruptive. In summary, the available evidence is currently insufficient to determine the role of this variant in disease. Therefore, it has been classified as a Variant of Uncertain Significance.

NM_020070.4(IGLL1):c.593A>T (p.His198Leu)

Gene: IGLL1 (immunoglobulin lambda like polypeptide 1; minus strand). Cytogenetic location: 22q11.23.
Variant type: single nucleotide variant.
Coding change: c.593A>T on transcript NM_020070.4 (MANE Select); coding-DNA position 593, A replaced by T.
Protein change: p.His198Leu; replaces histidine 198 with leucine.
Molecular consequence: missense variant. On other transcripts: 3 prime UTR variant (1).
Genome position (GRCh38, 1-based): chr22:23,573,315, T>A on the plus strand (A>T on the coding strand, the complement: IGLL1 is on the minus strand). VCF-style: chr22-23573315-T-A. GRCh37 (hg19) VCF-style: chr22-23915502-T-A.
Other names: c.*222A>T (NM_152855.3); c.596A>T, p.His199Leu (NM_001369906.1); short protein forms H198L, H199L.
Identifiers: ClinVar variation 4771066 (VCV004771066.1).